The following is an entry in ClinVar:

ClinVar aggregate classification (germline): Uncertain significance. Review status: criteria provided, multiple submitters, no conflicts (2 of 4 stars). 2 submissions from 2 submitters: Uncertain significance (2). Last evaluated 2026-01-11.

Conditions:
Hereditary cancer-predisposing syndrome. Also called: Hereditary neoplastic syndrome; Tumor predisposition; Hereditary Cancer Syndrome; Neoplastic Syndromes, Hereditary. Identifiers: Orphanet 140162, MedGen C0027672, MeSH D009386, MONDO:0015356.
Retinoblastoma (RB1). Also called: RETINOBLASTOMA, SOMATIC. Identifiers: Orphanet 790, MedGen C0035335, MeSH D012175, MONDO:0008380, OMIM 180200, HP:0009919. Disease mechanism: loss of function. Inheritance: Both sporadic and heritable forms are tested..

Allele frequency attached by ClinVar (database versions not stated): gnomAD exomes below 0.00001; gnomAD 0.00001.
gnomAD v4.1: 3 of 1,588,796 alleles (0.00019%); highest among the groups gnomAD compares: African/African-American, 0.0013%; no homozygotes.

Submissions (2):

Labcorp Genetics (formerly Invitae), Labcorp
Classification: Uncertain significance for Retinoblastoma. Last evaluated: 2026-01-11. Review status: criteria provided, single submitter. Criteria: Invitae Variant Classification Sherloc (09022015). Collection method: clinical testing. Allele origin: germline.
Comment: This sequence change replaces serine, which is neutral and polar, with alanine, which is neutral and non-polar, at codon 397 of the RB1 protein (p.Ser397Ala). This variant is not present in population databases (gnomAD no frequency). This variant has not been reported in the literature in individuals affected with RB1-related conditions. ClinVar contains an entry for this variant (Variation ID: 2129094). Invitae Evidence Modeling of protein sequence and biophysical properties (such as structural, functional, and spatial information, amino acid conservation, physicochemical variation, residue mobility, and thermodynamic stability) indicates that this missense variant is expected to disrupt RB1 protein function with a positive predictive value of 80%. In summary, the available evidence is currently insufficient to determine the role of this variant in disease. Therefore, it has been classified as a Variant of Uncertain Significance.

Ambry Genetics
Classification: Uncertain significance for Hereditary cancer-predisposing syndrome. Last evaluated: 2025-02-14. Review status: criteria provided, single submitter. Criteria: Ambry Variant Classification Scheme 2023. Collection method: clinical testing. Allele origin: germline.
Comment: The p.S397A variant (also known as c.1189T>G), located in coding exon 12 of the RB1 gene, results from a T to G substitution at nucleotide position 1189. The serine at codon 397 is replaced by alanine, an amino acid with similar properties. This amino acid position is highly conserved in available vertebrate species. In addition, the in silico prediction for this alteration is inconclusive. Based on the available evidence, the clinical significance of this variant remains unclear.

NM_000321.3(RB1):c.1189T>G (p.Ser397Ala)

Gene: RB1 (RB transcriptional corepressor 1; plus strand). Cytogenetic location: 13q14.2.
Variant type: single nucleotide variant.
Coding change: c.1189T>G on transcript NM_000321.3 (MANE Select); coding-DNA position 1189, T replaced by G.
Protein change: p.Ser397Ala; replaces serine 397 with alanine.
Molecular consequence: missense variant.
Genome position (GRCh38, 1-based): chr13:48,373,466, T>G. VCF-style: chr13-48373466-T-G. GRCh37 (hg19) VCF-style: chr13-48947602-T-G.
Other names: c.1189T>G, p.Ser397Ala (NM_001407165.1, NM_001407166.1); short protein forms S397A.
Identifiers: ClinVar variation 2129094 (VCV002129094.7), dbSNP rs1952784627, ClinGen allele CA388161603.